The following is an entry in ClinVar:

NM_080860.4(RSPH1):c.365+5G>A

Gene: RSPH1 (radial spoke head component 1; minus strand). Cytogenetic location: 21q22.3.
Variant type: single nucleotide variant.
Coding change: c.365+5G>A on transcript NM_080860.4 (MANE Select); 5 bases into the intron after coding-DNA position 365, G replaced by A.
Molecular consequence: intron variant.
Genome position (GRCh38, 1-based): chr21:42,486,366, C>T on the plus strand (G>A on the coding strand, the complement: RSPH1 is on the minus strand). VCF-style: chr21-42486366-C-T. GRCh37 (hg19) VCF-style: chr21-43906476-C-T.
Other names: c.251+5G>A (NM_001286506.2).
Identifiers: ClinVar variation 2060493 (VCV002060493.4), dbSNP rs776206326, ClinGen allele CA10043971.
Genomic context (GRCh38, chr21:42,486,366, plus strand): 5'-ATCTGCAGACATCATGTTCTCATTACATAAGCAAATCCCGTTAAGACCCAAGATAGAAAC[C>T]GAACCTTTGATGAGCAAACCACTCTCCAGTGTAGGTGTCATTATTGATGTAGTAGTATAC-3'

ClinVar aggregate classification (germline): Uncertain significance (1 of 4 stars; one submission).

Conditions:
Primary ciliary dyskinesia. Also called: Ciliary dyskinesia. Identifiers: Orphanet 244, MedGen C0008780, MONDO:0016575, HP:0012265.

Allele frequency attached by ClinVar (database versions not stated): ExAC 0.00001; gnomAD 0.00001.
gnomAD v4.1: 15 of 1,605,690 alleles (0.00093%); highest among the groups gnomAD compares: Middle Eastern, 0.016%; no homozygotes.

Submission:

Labcorp Genetics (formerly Invitae), Labcorp
Classification: Uncertain significance for Primary ciliary dyskinesia. Last evaluated: 2023-08-07. Review status: criteria provided, single submitter. Criteria: Invitae Variant Classification Sherloc (09022015). Collection method: clinical testing. Allele origin: germline.
Comment: In summary, the available evidence is currently insufficient to determine the role of this variant in disease. Therefore, it has been classified as a Variant of Uncertain Significance. This sequence change falls in intron 4 of the RSPH1 gene. It does not directly change the encoded amino acid sequence of the RSPH1 protein. It affects a nucleotide within the consensus splice site. This variant is present in population databases (rs776206326, gnomAD 0.003%). This variant has not been reported in the literature in individuals affected with RSPH1-related conditions. ClinVar contains an entry for this variant (Variation ID: 2060493). Variants that disrupt the consensus splice site are a relatively common cause of aberrant splicing (PMID: 17576681, 9536098). Algorithms developed to predict the effect of sequence changes on RNA splicing suggest that this variant may disrupt the consensus splice site.

Literature cited by the submitters: PubMed 17576681; PubMed 9536098.